The following is an entry in ClinVar:

ClinVar aggregate classification (germline): Uncertain significance (1 of 4 stars; one submission).

Submission:

GeneDx
Classification: Uncertain significance. Last evaluated: 2024-12-26. Review status: criteria provided, single submitter. Criteria: GeneDx Variant Classification Process June 2021. Collection method: clinical testing. Allele origin: germline. Affected: yes.
Comment: Not observed at significant frequency in large population cohorts (gnomAD); Intronic +5 splice site variant in a gene for which loss of function is a known mechanism of disease, and both splice predictors and evolutionary conservation support a deleterious effect, although in the absence of functional evidence the actual effect of this sequence change is unknown.; Has not been previously published as pathogenic or benign to our knowledge

NM_144508.5(KNL1):c.6836+5G>C

Gene: KNL1 (kinetochore scaffold 1; plus strand). Cytogenetic location: 15q15.1.
Variant type: single nucleotide variant.
Coding change: c.6836+5G>C on transcript NM_144508.5 (MANE Select); 5 bases into the intron after coding-DNA position 6836, G replaced by C.
Molecular consequence: intron variant.
Genome position (GRCh38, 1-based): chr15:40,659,466, G>C. VCF-style: chr15-40659466-G-C. GRCh37 (hg19) VCF-style: chr15-40951664-G-C.
Other names: c.6914+5G>C (NM_170589.5).
Identifiers: ClinVar variation 3908020 (VCV003908020.1).